The following is an entry in ClinVar:

ClinVar aggregate classification (germline): Pathogenic (1 of 4 stars; one submission).

Conditions:
Proline dehydrogenase deficiency (HYRPRO1). Also called: PROLINE OXIDASE DEFICIENCY; Hyperprolinemia type 1. Identifiers: Orphanet 419, MedGen C0268529, MONDO:0009400, OMIM 239500.

Allele frequency attached by ClinVar (database versions not stated): gnomAD exomes below 0.00001.

Submission:

Labcorp Genetics (formerly Invitae), Labcorp
Classification: Pathogenic for Proline dehydrogenase deficiency. Last evaluated: 2021-02-19. Review status: criteria provided, single submitter. Criteria: Invitae Variant Classification Sherloc (09022015). Collection method: clinical testing. Allele origin: germline.
Comment: This sequence change creates a premature translational stop signal (p.Lys176Argfs*58) in the PRODH gene. It is expected to result in an absent or disrupted protein product. Loss-of-function variants in PRODH are known to be pathogenic (PMID: 12525555, 15662599, 19736351). This variant is not present in population databases (ExAC no frequency). This variant has not been reported in the literature in individuals with PRODH-related conditions. For these reasons, this variant has been classified as Pathogenic.

Literature cited by the submitters: PubMed 12525555; PubMed 15662599; PubMed 19736351.

NM_016335.6(PRODH):c.522_526dup (p.Lys176fs)

Gene: PRODH (proline dehydrogenase 1; minus strand). Cytogenetic location: 22q11.21.
Variant type: Duplication.
Coding change: c.522_526dup on transcript NM_016335.6 (MANE Select); coding-DNA positions 522 to 526, 5 bases duplicated (GAATA; older notation c.522_526dupGAATA).
Protein change: p.Lys176fs; shifts the reading frame from lysine 176.
Molecular consequence: frameshift variant.
Genome position (GRCh38, 1-based): chr22:18,925,192-18,925,196, TATTC duplicated on the plus strand (GAATA on the coding strand, the reverse complement: PRODH is on the minus strand). VCF-style (leftmost placement, unchanged base first): chr22-18925191-T-TTATTC. GRCh37 (hg19) VCF-style: chr22-18912704-T-TTATTC.
Other names: c.198_202dup, p.Lys68fs (NM_001195226.2); short protein forms K68fs, K176fs.
Identifiers: ClinVar variation 1425627 (VCV001425627.6), dbSNP rs1305005935, ClinGen allele CA638325585.